The following is an entry in ClinVar:

NC_012920.1(MT-ND5):m.12490A>G

Gene: MT-ND5 (mitochondrially encoded NADH dehydrogenase 5; plus strand).
Variant type: single nucleotide variant.
Genome position: chrM-12490-A-G.
Identifiers: ClinVar variation 693453 (VCV000693453.1), dbSNP rs1603223763, ClinGen allele CA414813400.

ClinVar aggregate classification (germline): Benign (1 of 4 stars; one submission).

Conditions:
Leigh syndrome (NULS). Also called: Leigh's necrotizing encephalopathy; Leigh's disease; Leigh Syndrome (mtDNA deletion); Leigh Disease; Subacute necrotizing encephalopathy; Necrotizing encephalopathy infantile subacute of Leigh. Identifiers: Orphanet 506, MedGen C2931891, MONDO:0009723, OMIM 256000.

Submission:

Wong Mito Lab, Molecular and Human Genetics, Baylor College of Medicine
Classification: Benign for Leigh syndrome. Last evaluated: 2019-10-17. Review status: criteria provided, single submitter. Criteria: Modified ACMG Guidelines (Unpublished). Collection method: clinical testing. Allele origin: germline.
Comment: The NC_012920.1:m.12490A>G (YP_003024036.1:p.Thr52Ala) variant in MTND5 gene is interpretated to be a Benign variant based on the modified ACMG guidelines (unpublished). This variant meets the following evidence codes: BS1, BS2, BP4